The following is an entry in ClinVar:

NM_133433.4(NIPBL):c.1828_1829del (p.Lys610fs)

Gene: NIPBL (NIPBL cohesin loading factor; plus strand). Cytogenetic location: 5p13.2.
Variant type: Deletion.
Coding change: c.1828_1829del on transcript NM_133433.4 (MANE Select); coding-DNA positions 1828 to 1829, 2 bases deleted (AA; older notation c.1828_1829delAA).
Protein change: p.Lys610fs; shifts the reading frame from lysine 610.
Molecular consequence: frameshift variant.
Genome position (GRCh38, 1-based): chr5:36,985,008-36,985,009, AA deleted; deleting any 2 consecutive bases within chr5:36,985,007-36,985,009 gives the same sequence; the c. name uses the placement nearest the transcript's 3' end. VCF-style (leftmost placement, unchanged base first): chr5-36985006-CAA-C. GRCh37 (hg19) VCF-style: chr5-36985108-CAA-C.
Other names: c.1828_1829del, p.Lys610fs (NM_015384.5); short protein forms K610fs.
Identifiers: ClinVar variation 1458560 (VCV001458560.6), dbSNP rs2149643696, ClinGen allele CA2573139683.

ClinVar aggregate classification (germline): Pathogenic (1 of 4 stars; one submission).

Conditions:
Cornelia de Lange syndrome 1 (CDLS1). Also called: Brachmann de Lange syndrome; NIPBL-Related Cornelia de Lange Syndrome; TYPUS DEGENERATIVUS AMSTELODAMENSIS. Identifiers: Orphanet 199, MedGen C4551851, MONDO:0007387, OMIM 122470.

Submission:

Labcorp Genetics (formerly Invitae), Labcorp
Classification: Pathogenic for Cornelia de Lange syndrome 1. Last evaluated: 2020-12-30. Review status: criteria provided, single submitter. Criteria: Invitae Variant Classification Sherloc (09022015). Collection method: clinical testing. Allele origin: germline.
Comment: For these reasons, this variant has been classified as Pathogenic. This variant has not been reported in the literature in individuals with NIPBL-related conditions. This variant is not present in population databases (ExAC no frequency). This sequence change creates a premature translational stop signal (p.Lys610Glufs*2) in the NIPBL gene. It is expected to result in an absent or disrupted protein product. Loss-of-function variants in NIPBL are known to be pathogenic (PMID: 15318302, 19763162, 23505322, 29995837).

Literature cited by the submitters: PubMed 15318302; PubMed 19763162; PubMed 23505322; PubMed 29995837.